The following is an entry in ClinVar:

NM_001278309.2(AKAP3):c.2100T>G (p.Ser700=)

Gene: AKAP3 (A-kinase anchoring protein 3; minus strand). Cytogenetic location: 12p13.32.
Variant type: single nucleotide variant.
Coding change: c.2100T>G on transcript NM_001278309.2 (MANE Select); coding-DNA position 2100, T replaced by G.
Protein change: p.Ser700=; no amino-acid change (serine 700 retained).
Molecular consequence: synonymous variant.
Genome position (GRCh38, 1-based): chr12:4,626,802, A>C on the plus strand (T>G on the coding strand, the complement: AKAP3 is on the minus strand). VCF-style: chr12-4626802-A-C. GRCh37 (hg19) VCF-style: chr12-4735968-A-C.
Other names: c.2100T>G, p.Ser700= (NM_006422.4).
Identifiers: ClinVar variation 4083532 (VCV004083532.8).

ClinVar aggregate classification (germline): Likely benign (1 of 4 stars; one submission).

Submission:

CeGaT Center for Human Genetics Tuebingen
Classification: Likely benign. Last evaluated: 2025-06-01. Review status: criteria provided, single submitter. Criteria: CeGaT Center For Human Genetics Tuebingen Variant Classification Criteria Version 2. Collection method: clinical testing. Allele origin: germline. Affected: yes. Observed: 1 variant allele.
Comment: AKAP3: BP4, BP7